The following is an entry in ClinVar:

ClinVar aggregate classification (germline): Uncertain significance. Review status: criteria provided, multiple submitters, no conflicts (2 of 4 stars). 2 submissions from 2 submitters: Uncertain significance (2). Last evaluated 2026-01-25.

Conditions:
Hereditary cancer-predisposing syndrome. Also called: Hereditary neoplastic syndrome; Neoplastic Syndromes, Hereditary; Tumor predisposition; Hereditary Cancer Syndrome. Identifiers: Orphanet 140162, MedGen C0027672, MeSH D009386, MONDO:0015356.
Familial cancer of breast. Also called: hereditary breast carcinoma; BREAST CANCER, FAMILIAL; Hereditary breast cancer. Identifiers: Orphanet 227535, MedGen C0346153, MONDO:0016419, OMIM 114480. Disease mechanism: loss of function.
Fanconi anemia complementation group J. Also called: BRIP1-Related Fanconi Anemia. Identifiers: Orphanet 84, MedGen C1836860, MONDO:0012187, OMIM 609054.

Submissions (2):

Labcorp Genetics (formerly Invitae), Labcorp
Classification: Uncertain significance for Familial cancer of breast; Fanconi anemia complementation group J. Last evaluated: 2026-01-25. Review status: criteria provided, single submitter. Criteria: Invitae Variant Classification Sherloc (09022015). Collection method: clinical testing. Allele origin: germline.
Comment: This sequence change replaces proline, which is neutral and non-polar, with serine, which is neutral and polar, at codon 619 of the BRIP1 protein (p.Pro619Ser). This variant is not present in population databases (gnomAD no frequency). This variant has not been reported in the literature in individuals affected with BRIP1-related conditions. ClinVar contains an entry for this variant (Variation ID: 1001276). Invitae Evidence Modeling of protein sequence and biophysical properties (such as structural, functional, and spatial information, amino acid conservation, physicochemical variation, residue mobility, and thermodynamic stability) indicates that this missense variant is expected to disrupt BRIP1 protein function with a positive predictive value of 95%. In summary, the available evidence is currently insufficient to determine the role of this variant in disease. Therefore, it has been classified as a Variant of Uncertain Significance.

Ambry Genetics
Classification: Uncertain significance for Hereditary cancer-predisposing syndrome. Last evaluated: 2021-12-15. Review status: criteria provided, single submitter. Criteria: Ambry Variant Classification Scheme 2023. Collection method: clinical testing. Allele origin: germline.
Comment: The p.P619S variant (also known as c.1855C>T), located in coding exon 12 of the BRIP1 gene, results from a C to T substitution at nucleotide position 1855. The proline at codon 619 is replaced by serine, an amino acid with similar properties. This amino acid position is conserved. In addition, this alteration is predicted to be deleterious by in silico analysis. Since supporting evidence is limited at this time, the clinical significance of this alteration remains unclear.

NM_032043.3(BRIP1):c.1855C>T (p.Pro619Ser)

Gene: BRIP1 (BRCA1 interacting DNA helicase 1; minus strand). Cytogenetic location: 17q23.2.
Variant type: single nucleotide variant.
Coding change: c.1855C>T on transcript NM_032043.3 (MANE Select); coding-DNA position 1855, C replaced by T.
Protein change: p.Pro619Ser; replaces proline 619 with serine.
Molecular consequence: missense variant.
Genome position (GRCh38, 1-based): chr17:61,780,341, G>A on the plus strand (C>T on the coding strand, the complement: BRIP1 is on the minus strand). VCF-style: chr17-61780341-G-A. GRCh37 (hg19) VCF-style: chr17-59857702-G-A.
Other names: short protein forms P619S.
Identifiers: ClinVar variation 1001276 (VCV001001276.12), dbSNP rs2077596661, ClinGen allele CA400480108.